The following is an entry in ClinVar:

ClinVar aggregate classification (germline): Uncertain significance (1 of 4 stars; one submission).

Allele frequency attached by ClinVar (database versions not stated): ExAC 0.00001.
gnomAD v4.1: 2 of 1,613,158 alleles (0.00012%); highest among the groups gnomAD compares: Non-Finnish European, 0.00017%; no homozygotes.

Submission:

Labcorp Genetics (formerly Invitae), Labcorp
Classification: Uncertain significance. Last evaluated: 2024-05-21. Review status: criteria provided, single submitter. Criteria: Invitae Variant Classification Sherloc (09022015). Collection method: clinical testing. Allele origin: germline.
Comment: This sequence change replaces proline, which is neutral and non-polar, with serine, which is neutral and polar, at codon 194 of the ERBB2 protein (p.Pro194Ser). The frequency data for this variant in the population databases is considered unreliable, as metrics indicate poor data quality at this position in the gnomAD database. This variant has not been reported in the literature in individuals affected with ERBB2-related conditions. ClinVar contains an entry for this variant (Variation ID: 1936764). Advanced modeling of protein sequence and biophysical properties (such as structural, functional, and spatial information, amino acid conservation, physicochemical variation, residue mobility, and thermodynamic stability) performed at Invitae indicates that this missense variant is not expected to disrupt ERBB2 protein function with a negative predictive value of 80%. In summary, the available evidence is currently insufficient to determine the role of this variant in disease. Therefore, it has been classified as a Variant of Uncertain Significance.

NM_004448.4(ERBB2):c.580C>T (p.Pro194Ser)

Gene: ERBB2 (erb-b2 receptor tyrosine kinase 2; plus strand). Cytogenetic location: 17q12.
Variant type: single nucleotide variant.
Coding change: c.580C>T on transcript NM_004448.4 (MANE Select); coding-DNA position 580, C replaced by T.
Protein change: p.Pro194Ser; replaces proline 194 with serine.
Molecular consequence: missense variant. On other transcripts: non-coding transcript variant (1), intron variant (2).
Genome position (GRCh38, 1-based): chr17:39,709,818, C>T. VCF-style: chr17-39709818-C-T. GRCh37 (hg19) VCF-style: chr17-37866071-C-T.
Other names: c.490C>T, p.Pro164Ser (NM_001005862.3, NM_001289938.2, NM_001382782.1 and 1 more transcripts); c.535C>T, p.Pro179Ser (NM_001289936.2); c.580C>T, p.Pro194Ser (NM_001289937.2, NM_001382784.1, NM_001382785.1 and 17 more transcripts); c.655C>T, p.Pro219Ser (NM_001382787.1); c.571C>T, p.Pro191Ser (NM_001382791.1); c.440-40C>T (NM_001382799.1); c.74-2110C>T (NM_001382804.1); short protein forms P179S, P191S, P194S, P164S, P219S.
Identifiers: ClinVar variation 1936764 (VCV001936764.5), dbSNP rs763458661, ClinGen allele CA8533667.